The following is an entry in ClinVar:

ClinVar aggregate classification (germline): Pathogenic/Likely pathogenic. Review status: criteria provided, multiple submitters, no conflicts (2 of 4 stars). 3 submissions from 3 submitters: Pathogenic (2); Likely pathogenic (1). Last evaluated 2026-08-20.

Conditions:
Progressive sclerosing poliodystrophy (MTDPS4A). Also called: Mitochondrial DNA Depletion Syndrome 4A; Alpers-Huttenlocher Syndrome (AHS); ALPERS PROGRESSIVE INFANTILE POLIODYSTROPHY; Alpers Syndrome; ALPERS DIFFUSE DEGENERATION OF CEREBRAL GRAY MATTER WITH HEPATIC CIRRHOSIS; Alpers-Huttenlocher Syndrome. Identifiers: Orphanet 726, MedGen C0205710, MONDO:0008758, OMIM 203700.
POLG-related disorder. Also called: POLG-related condition; POLG-Related Disorders; POLG-Related Spectrum Disorders. Identifiers: MedGen C4763519.

Submissions (3):

Myriad Genetics, Inc.
Classification: Pathogenic for POLG-related disorder. Last evaluated: 2026-08-20. Review status: criteria provided, single submitter. Criteria: Myriad Autosomal Dominant, Autosomal Recessive and X-Linked Classification Criteria (2023). Collection method: clinical testing. Allele origin: unknown.
Comment: NM_002693.2(POLG):c.1783_1786dupCAGA(M596Tfs*7) is expected to be pathogenic in the context of POLG-related disorders. This variant is predicted to lead to an abnormal or absent protein product due to the creation of a premature termination codon in POLG, a gene where loss-of-function variants are known to be pathogenic. Please note: this variant was assessed in the context of healthy population screening.

Dasa
Classification: Likely pathogenic. Last evaluated: 2025-07-31. Review status: criteria provided, single submitter. Criteria: DASA Assertion Criteria. Collection method: clinical testing. Allele origin: germline.
Comment: NM_002693.3(POLG):c.1783_1786dup (p.Met596Thrfs*7) is a frameshift variant in POLG predicted to alter the reading frame and introduce a premature termination codon and is predicted to result in an absent or altered protein product. Loss of function is an established disease mechanism for POLG-associated disorders. Also, this variant is absent from population databases. Based on the currently available evidence, this variant is classified as likely pathogenic.

Labcorp Genetics (formerly Invitae), Labcorp
Classification: Pathogenic for Progressive sclerosing poliodystrophy. Last evaluated: 2025-07-23. Review status: criteria provided, single submitter. Criteria: Invitae Variant Classification Sherloc (09022015). Collection method: clinical testing. Allele origin: germline.
Comment: This sequence change creates a premature translational stop signal (p.Met596Thrfs*7) in the POLG gene. It is expected to result in an absent or disrupted protein product. Loss-of-function variants in POLG are known to be pathogenic (PMID: 18546365). This variant is not present in population databases (gnomAD no frequency). This variant has not been reported in the literature in individuals affected with POLG-related conditions. ClinVar contains an entry for this variant (Variation ID: 1458576). For these reasons, this variant has been classified as Pathogenic.

Literature cited by the submitters: PubMed 18546365 (cited by Labcorp Genetics (formerly Invitae), Labcorp).

NM_002693.3(POLG):c.1783_1786dup (p.Met596fs)

Gene: POLG (DNA polymerase gamma, catalytic subunit; minus strand). Cytogenetic location: 15q26.1.
Variant type: Duplication.
Coding change: c.1783_1786dup on transcript NM_002693.3 (MANE Select); coding-DNA positions 1783 to 1786, 4 bases duplicated (CAGA; older notation c.1783_1786dupCAGA).
Protein change: p.Met596fs; shifts the reading frame from methionine 596.
Molecular consequence: frameshift variant.
Genome position (GRCh38, 1-based): chr15:89,325,613-89,325,616, TCTG duplicated on the plus strand (CAGA on the coding strand, the reverse complement: POLG is on the minus strand). VCF-style (leftmost placement, unchanged base first): chr15-89325612-A-ATCTG. GRCh37 (hg19) VCF-style: chr15-89868843-A-ATCTG.
Other names: c.1783_1786dup, p.Met596fs (NM_001126131.2); short protein forms M596fs.
Identifiers: ClinVar variation 1458576 (VCV001458576.9), dbSNP rs2152065935, ClinGen allele CA2573151273.